The following is an entry in ClinVar:

ClinVar aggregate classification (germline): Uncertain significance (1 of 4 stars; one submission).

Conditions:
Mosaic variegated aneuploidy syndrome 1 (MVA1). Also called: Warburton-Anyane-Yeboa syndrome. Identifiers: Orphanet 1052, MedGen C1850343, MONDO:0009759, OMIM 257300.

Submission:

Labcorp Genetics (formerly Invitae), Labcorp
Classification: Uncertain significance for Mosaic variegated aneuploidy syndrome 1. Last evaluated: 2023-03-02. Review status: criteria provided, single submitter. Criteria: Invitae Variant Classification Sherloc (09022015). Collection method: clinical testing. Allele origin: germline.
Comment: This variant has not been reported in the literature in individuals affected with BUB1B-related conditions. This variant is not present in population databases (gnomAD no frequency). This sequence change affects codon 136 of the BUB1B mRNA. It is a 'silent' change, meaning that it does not change the encoded amino acid sequence of the BUB1B protein. Algorithms developed to predict the effect of sequence changes on RNA splicing suggest that this variant may disrupt the consensus splice site. In summary, the available evidence is currently insufficient to determine the role of this variant in disease. Therefore, it has been classified as a Variant of Uncertain Significance.

NM_001211.6(BUB1B):c.408G>A (p.Leu136=)

Gene: BUB1B (BUB1 mitotic checkpoint serine/threonine kinase B; plus strand). Cytogenetic location: 15q15.1.
Variant type: single nucleotide variant.
Coding change: c.408G>A on transcript NM_001211.6 (MANE Select); coding-DNA position 408, G replaced by A.
Protein change: p.Leu136=; no amino-acid change (leucine 136 retained).
Molecular consequence: synonymous variant.
Genome position (GRCh38, 1-based): chr15:40,176,500, G>A. VCF-style: chr15-40176500-G-A. GRCh37 (hg19) VCF-style: chr15-40468701-G-A.
Identifiers: ClinVar variation 3005746 (VCV003005746.3), dbSNP rs2542523941, ClinGen allele CA489705980.